The following is an entry in ClinVar:

ClinVar aggregate classification (germline): Uncertain significance (1 of 4 stars; one submission).

Conditions:
Giant axonal neuropathy 1 (GAN1). Also called: GIANT AXONAL NEUROPATHY 1, AUTOSOMAL RECESSIVE; GAN-Related Neurodegeneration. Identifiers: Orphanet 643, MedGen C1850386, MONDO:0009749, OMIM 256850.

Allele frequency attached by ClinVar (database versions not stated): TOPMed below 0.00001.

Submission:

Labcorp Genetics (formerly Invitae), Labcorp
Classification: Uncertain significance for Giant axonal neuropathy 1. Last evaluated: 2025-03-31. Review status: criteria provided, single submitter. Criteria: Invitae Variant Classification Sherloc (09022015). Collection method: clinical testing. Allele origin: germline.
Comment: This sequence change replaces serine, which is neutral and polar, with proline, which is neutral and non-polar, at codon 323 of the GAN protein (p.Ser323Pro). This variant is not present in population databases (gnomAD no frequency). This variant has not been reported in the literature in individuals affected with GAN-related conditions. ClinVar contains an entry for this variant (Variation ID: 1055452). Invitae Evidence Modeling of protein sequence and biophysical properties (such as structural, functional, and spatial information, amino acid conservation, physicochemical variation, residue mobility, and thermodynamic stability) indicates that this missense variant is not expected to disrupt GAN protein function with a negative predictive value of 80%. In summary, the available evidence is currently insufficient to determine the role of this variant in disease. Therefore, it has been classified as a Variant of Uncertain Significance.

NM_022041.4(GAN):c.967T>C (p.Ser323Pro)

Gene: GAN (gigaxonin; plus strand). Cytogenetic location: 16q23.2.
Variant type: single nucleotide variant.
Coding change: c.967T>C on transcript NM_022041.4 (MANE Select); coding-DNA position 967, T replaced by C.
Protein change: p.Ser323Pro; replaces serine 323 with proline.
Molecular consequence: missense variant.
Genome position (GRCh38, 1-based): chr16:81,357,925, T>C. VCF-style: chr16-81357925-T-C. GRCh37 (hg19) VCF-style: chr16-81391530-T-C.
Other names: c.328T>C, p.Ser110Pro (NM_001377486.1); short protein forms S110P, S323P.
Identifiers: ClinVar variation 1055452 (VCV001055452.9), dbSNP rs1910545724, ClinGen allele CA396873546.